The following is an entry in ClinVar:

ClinVar aggregate classification (germline): Likely benign. Review status: criteria provided, multiple submitters, no conflicts (2 of 4 stars). 2 submissions from 2 submitters: Likely benign (2). Last evaluated 2018-01-13.

Conditions:
Premature ovarian failure 2B. Identifiers: MedGen C1845105, MONDO:0010373, OMIM 300604.

Allele frequency attached by ClinVar (database versions not stated): ESP Exome Variant Server 0.00009; TOPMed 0.00060; 1000 Genomes Project 0.00079; 1000 Genomes Project 30x 0.00083.
gnomAD v4.1: 348 of 1,157,004 alleles (0.03%); highest among the groups gnomAD compares: South Asian, 0.13%; no homozygotes.

Submissions (2):

Illumina Laboratory Services, Illumina
Classification: Likely benign for Premature ovarian failure 2B. Last evaluated: 2018-01-13. Review status: criteria provided, single submitter. Criteria: ICSL Variant Classification Criteria 13 December 2019. Collection method: clinical testing. Allele origin: germline.
Comment: This variant was observed in the ICSL laboratory as part of a predisposition screen in an ostensibly healthy population. It had not been previously curated by ICSL or reported in the Human Gene Mutation Database (HGMD: prior to June 1st, 2018), and was therefore a candidate for classification through an automated scoring system. Utilizing variant allele frequency, disease prevalence and penetrance estimates, and inheritance mode, an automated score was calculated to assess if this variant is too frequent to cause the disease. Based on the score and internal cut-off values, a variant classified as likely benign is not then subjected to further curation. The score for this variant resulted in a classification of likely benign for this disease.

Breakthrough Genomics
Classification: Likely benign. Review status: criteria provided, single submitter. Criteria: ACMG Guidelines, 2015. Collection method: not provided. Allele origin: germline. Inheritance: X-linked inheritance. Affected: yes.

NM_024921.4(POF1B):c.*42T>G

Gene: POF1B (POF1B actin binding protein; minus strand). Cytogenetic location: Xq21.1.
Variant type: single nucleotide variant.
Coding change: c.*42T>G on transcript NM_024921.4 (MANE Select); 42 bases downstream of the stop codon, T replaced by G.
Molecular consequence: 3 prime UTR variant.
Genome position (GRCh38, 1-based): chrX:85,279,379, A>C on the plus strand (T>G on the coding strand, the complement: POF1B is on the minus strand). VCF-style: chrX-85279379-A-C. GRCh37 (hg19) VCF-style: chrX-84534385-A-C.
Identifiers: ClinVar variation 368781 (VCV000368781.6), dbSNP rs372539151, ClinGen allele CA10464858.
Genomic context (GRCh38, chrX:85,279,379, plus strand): 5'-CTGATTGGCCTTTAGTGATGGAAAAATAACAAAGTACTAATGCAGAGACACACACACAAA[A>C]AAAAAACGGCTTTGAGTTGTAATACTTTAAAGTGGATCCATTCATGGCTAGAAAAGAAAA-3'